The following is an entry in ClinVar:

NM_139319.3(SLC17A8):c.485C>T (p.Ala162Val)

Gene: SLC17A8 (solute carrier family 17 member 8; plus strand). Cytogenetic location: 12q23.1.
Variant type: single nucleotide variant.
Coding change: c.485C>T on transcript NM_139319.3 (MANE Select); coding-DNA position 485, C replaced by T.
Protein change: p.Ala162Val; replaces alanine 162 with valine.
Molecular consequence: missense variant.
Genome position (GRCh38, 1-based): chr12:100,393,380, C>T. VCF-style: chr12-100393380-C-T. GRCh37 (hg19) VCF-style: chr12-100787158-C-T.
Other names: c.485C>T, p.Ala162Val (NM_001145288.2); short protein forms A162V.
Identifiers: ClinVar variation 1379853 (VCV001379853.8), dbSNP rs765156218, ClinGen allele CA6738770.
Genomic context (GRCh38, chr12:100,393,380, plus strand): 5'-CACATCCATCAGCAGACCTGCCGAATAACACAATGCTTTGGTCCCCCAGGGTCTTTGGAG[C>T]TGCCATCTTCTTAACATCGACTCTGAACATGTTTATTCCCTCTGCAGCCAGAGTGCATTA-3'
Protein context (NP_647480.1, residues 152-172): NKFAANRVFG[Ala162Val]AIFLTSTLNM

ClinVar aggregate classification (germline): Uncertain significance (1 of 4 stars; one submission).

Allele frequency attached by ClinVar (database versions not stated): gnomAD exomes 0.00001 and 0.00004; TOPMed 0.00002; ExAC 0.00004.
gnomAD v4.1: 23 of 1,613,228 alleles (0.0014%); highest among the groups gnomAD compares: African/African-American, 0.004%; no homozygotes.

Submission:

Labcorp Genetics (formerly Invitae), Labcorp
Classification: Uncertain significance. Last evaluated: 2021-07-12. Review status: criteria provided, single submitter. Criteria: Invitae Variant Classification Sherloc (09022015). Collection method: clinical testing. Allele origin: germline.
Comment: In summary, the available evidence is currently insufficient to determine the role of this variant in disease. Therefore, it has been classified as a Variant of Uncertain Significance. Algorithms developed to predict the effect of missense changes on protein structure and function are either unavailable or do not agree on the potential impact of this missense change (SIFT: "Tolerated"; PolyPhen-2: "Probably Damaging"; Align-GVGD: "Class C0"). This variant has not been reported in the literature in individuals affected with SLC17A8-related conditions. This variant is present in population databases (rs765156218, ExAC 0.007%). This sequence change replaces alanine with valine at codon 162 of the SLC17A8 protein (p.Ala162Val). The alanine residue is highly conserved and there is a small physicochemical difference between alanine and valine.